The following is an entry in ClinVar:

NM_013275.6(ANKRD11):c.525C>T (p.Ala175=)

Gene: ANKRD11 (ankyrin repeat domain 11; minus strand). Cytogenetic location: 16q24.3.
Variant type: single nucleotide variant.
Coding change: c.525C>T on transcript NM_013275.6 (MANE Select); coding-DNA position 525, C replaced by T.
Protein change: p.Ala175=; no amino-acid change (alanine 175 retained).
Molecular consequence: synonymous variant. On other transcripts: non-coding transcript variant (1).
Genome position (GRCh38, 1-based): chr16:89,290,701, G>A on the plus strand (C>T on the coding strand, the complement: ANKRD11 is on the minus strand). VCF-style: chr16-89290701-G-A. GRCh37 (hg19) VCF-style: chr16-89357109-G-A.
Other names: c.525C>T, p.Ala175= (NM_001256182.2, NM_001256183.2).
Identifiers: ClinVar variation 1980369 (VCV001980369.28), dbSNP rs765896866, ClinGen allele CA8243068.

ClinVar aggregate classification (germline): Benign/Likely benign. Review status: criteria provided, multiple submitters, no conflicts (2 of 4 stars). 2 submissions from 2 submitters: Benign (1); Likely benign (1). Last evaluated 2022-07-01.

Conditions:
KBG syndrome (KBGS). Also called: ANKRD11-Related KBG Syndrome. Identifiers: Orphanet 2332, MedGen C0220687, MONDO:0007846, OMIM 148050.

Allele frequency attached by ClinVar (database versions not stated): gnomAD exomes below 0.00001; ExAC 0.00001; gnomAD 0.00001; TOPMed 0.00001.
gnomAD v4.1: 8 of 1,613,964 alleles (0.0005%); highest among the groups gnomAD compares: Admixed American, 0.0017%; no homozygotes.

Submissions (2):

CeGaT Center for Human Genetics Tuebingen
Classification: Likely benign. Last evaluated: 2022-07-01. Review status: criteria provided, single submitter. Criteria: CeGaT Center For Human Genetics Tuebingen Variant Classification Criteria Version 2. Collection method: clinical testing. Allele origin: germline. Affected: yes. Observed: 1 variant allele.
Comment: ANKRD11: BP4, BP7

Labcorp Genetics (formerly Invitae), Labcorp
Classification: Benign for KBG syndrome. Last evaluated: 2022-05-25. Review status: criteria provided, single submitter. Criteria: Invitae Variant Classification Sherloc (09022015). Collection method: clinical testing. Allele origin: germline.